The following is an entry in ClinVar:

NM_001303256.3(MORC2):c.35C>G (p.Ala12Gly)

Gene: MORC2 (MORC family CW-type zinc finger 2; minus strand). Cytogenetic location: 22q12.2.
Variant type: single nucleotide variant.
Coding change: c.35C>G on transcript NM_001303256.3 (MANE Select); coding-DNA position 35, C replaced by G.
Protein change: p.Ala12Gly; replaces alanine 12 with glycine.
Molecular consequence: missense variant. On other transcripts: 5 prime UTR variant (1).
Genome position (GRCh38, 1-based): chr22:30,967,855, G>C on the plus strand (C>G on the coding strand, the complement: MORC2 is on the minus strand). VCF-style: chr22-30967855-G-C. GRCh37 (hg19) VCF-style: chr22-31363841-G-C.
Other names: c.35C>G, p.Ala12Gly (NM_001303257.2); c.-1018C>G (NM_014941.3); short protein forms A12G.
Identifiers: ClinVar variation 1719467 (VCV001719467.6), dbSNP rs1386472984, ClinGen allele CA411536224.
Genomic context (GRCh38, chr22:30,967,855, plus strand): 5'-CCTCAGTGGCACCTAGAGGATACTTACGAATTTGTGTGCAGATATTCAAAGGTTAGCTGA[G>C]CTCGATTCAGACTGCTGTAATTTGTGAAAGCCATGACTGCAATAAGGTCTCCAGCCCTTC-3'
Protein context (NP_001290185.1, residues 2-22): AFTNYSSLNR[Ala12Gly]QLTFEYLHTN

ClinVar aggregate classification (germline): Uncertain significance (1 of 4 stars; one submission).

Conditions:
Charcot-Marie-Tooth disease axonal type 2Z. Also called: CHARCOT-MARIE-TOOTH DISEASE, AXONAL, AUTOSOMAL DOMINANT, TYPE 2Z; CHARCOT-MARIE-TOOTH NEUROPATHY, TYPE 2Z. Identifiers: Orphanet 466768, MedGen C5569025, MONDO:0014736, OMIM 616688.

Allele frequency attached by ClinVar (database versions not stated): gnomAD 0.00001.

Submission:

Labcorp Genetics (formerly Invitae), Labcorp
Classification: Uncertain significance for Charcot-Marie-Tooth disease axonal type 2Z. Last evaluated: 2022-09-15. Review status: criteria provided, single submitter. Criteria: Invitae Variant Classification Sherloc (09022015). Collection method: clinical testing. Allele origin: germline.
Comment: This variant has not been reported in the literature in individuals affected with MORC2-related conditions. Advanced modeling of protein sequence and biophysical properties (such as structural, functional, and spatial information, amino acid conservation, physicochemical variation, residue mobility, and thermodynamic stability) performed at Invitae indicates that this missense variant is expected to disrupt MORC2 protein function. In summary, the available evidence is currently insufficient to determine the role of this variant in disease. Therefore, it has been classified as a Variant of Uncertain Significance. This sequence change replaces alanine, which is neutral and non-polar, with glycine, which is neutral and non-polar, at codon 12 of the MORC2 protein (p.Ala12Gly). This variant is present in population databases (no rsID available, gnomAD 0.007%).